The following is an entry in ClinVar:

ClinVar aggregate classification (germline): Uncertain significance (1 of 4 stars; one submission).

gnomAD v4.1: 2 of 1,612,912 alleles (0.00012%); highest among the groups gnomAD compares: Non-Finnish European, 0.00017%; no homozygotes.

Submission:

Labcorp Genetics (formerly Invitae), Labcorp
Classification: Uncertain significance. Last evaluated: 2025-04-30. Review status: criteria provided, single submitter. Criteria: Invitae Variant Classification Sherloc (09022015). Collection method: clinical testing. Allele origin: germline.
Comment: This sequence change replaces alanine, which is neutral and non-polar, with serine, which is neutral and polar, at codon 59 of the CCT2 protein (p.Ala59Ser). This variant is present in population databases (no rsID available, gnomAD 0.007%). This variant has not been reported in the literature in individuals affected with CCT2-related conditions. An algorithm developed to predict the effect of missense changes on protein structure and function (PolyPhen-2) suggests that this variant is likely to be tolerated. In summary, the available evidence is currently insufficient to determine the role of this variant in disease. Therefore, it has been classified as a Variant of Uncertain Significance.

NM_006431.3(CCT2):c.175G>T (p.Ala59Ser)

Gene: CCT2 (chaperonin containing TCP1 subunit 2; plus strand). Cytogenetic location: 12q15.
Variant type: single nucleotide variant.
Coding change: c.175G>T on transcript NM_006431.3 (MANE Select); coding-DNA position 175, G replaced by T.
Protein change: p.Ala59Ser; replaces alanine 59 with serine.
Molecular consequence: missense variant.
Genome position (GRCh38, 1-based): chr12:69,587,535, G>T. VCF-style: chr12-69587535-G-T. GRCh37 (hg19) VCF-style: chr12-69981315-G-T.
Other names: c.34G>T, p.Ala12Ser (NM_001198842.2); short protein forms A12S, A59S.
Identifiers: ClinVar variation 4811732 (VCV004811732.1).